The following is an entry in ClinVar:

ClinVar aggregate classification (germline): Uncertain significance. Review status: criteria provided, multiple submitters, no conflicts (2 of 4 stars). 2 submissions from 2 submitters: Uncertain significance (2). Last evaluated 2026-01-21.

Conditions:
Marfan syndrome (MFS). Also called: Marfan syndrome type 1; Marfan's syndrome; FBN1-Related Marfan Syndrome; MARFAN SYNDROME, TYPE I; Marfan syndrome, classic. Identifiers: Orphanet 284963, Orphanet 558, MedGen C0024796, MONDO:0007947, OMIM 154700.
Familial thoracic aortic aneurysm and aortic dissection (TAAD). Also called: Thoracic aortic aneurysms and dissections. Identifiers: Orphanet 91387, MedGen C4707243, MONDO:0019625.

Allele frequency attached by ClinVar (database versions not stated): gnomAD exomes below 0.00001.
gnomAD v4.1: 2 of 1,613,410 alleles (0.00012%); highest among the groups gnomAD compares: Admixed American, 0.0017%; no homozygotes.

Submissions (2):

GeneDx
Classification: Uncertain significance. Last evaluated: 2026-01-21. Review status: criteria provided, single submitter. Criteria: GeneDx Variant Classification Process June 2021. Collection method: clinical testing. Allele origin: germline. Affected: yes.
Comment: Has not been previously published as pathogenic or benign to our knowledge; Not observed at significant frequency in large population cohorts (gnomAD); In silico analysis supports that this missense variant has a deleterious effect on protein structure/function; Does not affect a cysteine or calcium-binding residue within an EGF-like domain or a TGF-binding protein domain of the FBN1 gene; cysteine substitutions in the EGF-like domains represent the majority of pathogenic missense changes associated with FBN1-related disorders (PMID: 12938084); This variant is associated with the following publications: (PMID: 12938084)

Labcorp Genetics (formerly Invitae), Labcorp
Classification: Uncertain significance for Marfan syndrome; Familial thoracic aortic aneurysm and aortic dissection. Last evaluated: 2024-04-18. Review status: criteria provided, single submitter. Criteria: Invitae Variant Classification Sherloc (09022015). Collection method: clinical testing. Allele origin: germline.
Comment: This sequence change replaces glycine, which is neutral and non-polar, with alanine, which is neutral and non-polar, at codon 2432 of the FBN1 protein (p.Gly2432Ala). This variant is present in population databases (no rsID available, gnomAD 0.003%). This variant has not been reported in the literature in individuals affected with FBN1-related conditions. ClinVar contains an entry for this variant (Variation ID: 1307927). Advanced modeling of protein sequence and biophysical properties (such as structural, functional, and spatial information, amino acid conservation, physicochemical variation, residue mobility, and thermodynamic stability) has been performed at Invitae for this missense variant, however the output from this modeling did not meet the statistical confidence thresholds required to predict the impact of this variant on FBN1 protein function. In summary, the available evidence is currently insufficient to determine the role of this variant in disease. Therefore, it has been classified as a Variant of Uncertain Significance.

NM_000138.5(FBN1):c.7295G>C (p.Gly2432Ala)

Gene: FBN1 (fibrillin 1; minus strand). Cytogenetic location: 15q21.1.
Variant type: single nucleotide variant.
Coding change: c.7295G>C on transcript NM_000138.5 (MANE Select); coding-DNA position 7295, G replaced by C.
Protein change: p.Gly2432Ala; replaces glycine 2432 with alanine.
Molecular consequence: missense variant.
Genome position (GRCh38, 1-based): chr15:48,425,774, C>G on the plus strand (G>C on the coding strand, the complement: FBN1 is on the minus strand). VCF-style: chr15-48425774-C-G. GRCh37 (hg19) VCF-style: chr15-48717971-C-G.
Other names: short protein forms G2432A.
Identifiers: ClinVar variation 1307927 (VCV001307927.6), dbSNP rs1266993955, ClinGen allele CA392328550.